The following is an entry in ClinVar:

NC_000003.11:g.(?_142168271)_(142226971_?)del

Gene: ATR (ATR serine/threonine kinase; minus strand). Cytogenetic location: 3q23.
Variant type: Deletion.
Identifiers: ClinVar variation 2423941 (VCV002423941.4).

ClinVar aggregate classification (germline): Likely pathogenic (1 of 4 stars; one submission).

Submission:

Labcorp Genetics (formerly Invitae), Labcorp
Classification: Likely pathogenic. Last evaluated: 2021-12-22. Review status: criteria provided, single submitter. Criteria: Invitae Variant Classification Sherloc (09022015). Collection method: clinical testing. Allele origin: germline.
Comment: This variant has not been reported in the literature in individuals affected with ATR-related conditions. In summary, the currently available evidence indicates that the variant is pathogenic, but additional data are needed to prove that conclusively. Therefore, this variant has been classified as Likely Pathogenic. This variant disrupts the highly conserved phosphatidylinositol 3-kinase-related kinase (PIKK) catalytic domain of the ATR protein, which is essential for ATR-mediated DNA damage response signaling (PMID: 15279773, 28622525, 30559436). While functional studies have not been performed to directly test the effect of this variant on ATR protein function, this suggests that disruption of this region of the protein is causative of disease. This variant is a gross deletion of the genomic region encompassing exon(s) 28-47 of the ATR gene, which includes the termination codon. This deletion extends beyond the assayed region for this gene and therefore may encompass additional genes. While this deletion is not anticipated to lead to nonsense mediated decay, it is expected to alter mRNA translation or result in a truncated protein product.

Literature cited by the submitters: PubMed 15279773; PubMed 28622525; PubMed 30559436.